The following is an entry in ClinVar:

ClinVar aggregate classification (germline): Uncertain significance (1 of 4 stars; one submission).

gnomAD v4.1: 10 of 1,613,234 alleles (0.00062%); highest among the groups gnomAD compares: Non-Finnish European, 0.00085%; no homozygotes.

Submission:

Labcorp Genetics (formerly Invitae), Labcorp
Classification: Uncertain significance. Last evaluated: 2024-06-05. Review status: criteria provided, single submitter. Criteria: Invitae Variant Classification Sherloc (09022015). Collection method: clinical testing. Allele origin: germline.
Comment: This sequence change replaces aspartic acid, which is acidic and polar, with glycine, which is neutral and non-polar, at codon 96 of the ITM2B protein (p.Asp96Gly). This variant is present in population databases (no rsID available, gnomAD 0.0009%). This variant has not been reported in the literature in individuals affected with ITM2B-related conditions. An algorithm developed to predict the effect of missense changes on protein structure and function (PolyPhen-2) suggests that this variant is likely to be disruptive. In summary, the available evidence is currently insufficient to determine the role of this variant in disease. Therefore, it has been classified as a Variant of Uncertain Significance.

NM_021999.5(ITM2B):c.287A>G (p.Asp96Gly)

Gene: ITM2B (integral membrane protein 2B; plus strand). Cytogenetic location: 13q14.2.
Variant type: single nucleotide variant.
Coding change: c.287A>G on transcript NM_021999.5 (MANE Select); coding-DNA position 287, A replaced by G.
Protein change: p.Asp96Gly; replaces aspartic acid 96 with glycine.
Molecular consequence: missense variant.
Genome position (GRCh38, 1-based): chr13:48,256,217, A>G. VCF-style: chr13-48256217-A-G. GRCh37 (hg19) VCF-style: chr13-48830353-A-G.
Other names: short protein forms D96G.
Identifiers: ClinVar variation 3694766 (VCV003694766.2).